The following is an entry in ClinVar:

ClinVar aggregate classification (germline): Likely benign. Review status: criteria provided, single submitter (1 of 4 stars). 2 submissions from 2 submitters: Likely benign (1). 1 of the submissions does not count toward it. Last evaluated 2024-09-01.

Conditions:
SARDH-related disorder. Also called: SARDH-related condition.

Allele frequency attached by ClinVar (database versions not stated): ESP Exome Variant Server 0.00038; 1000 Genomes Project 30x 0.00078; 1000 Genomes Project 0.00080.
gnomAD v4.1: 742 of 1,610,722 alleles (0.046%); highest among the groups gnomAD compares: East Asian, 0.71%; 3 homozygotes.

Submissions (2):

CeGaT Center for Human Genetics Tuebingen
Classification: Likely benign. Last evaluated: 2024-09-01. Review status: criteria provided, single submitter. Criteria: CeGaT Center For Human Genetics Tuebingen Variant Classification Criteria Version 2. Collection method: clinical testing. Allele origin: germline. Affected: yes. Observed: 1 variant allele.
Comment: SARDH: BP4, BP7

PreventionGenetics, part of Exact Sciences
Classification: Likely benign for SARDH-related condition. Last evaluated: 2019-12-24. Review status: no assertion criteria provided. Collection method: clinical testing. Allele origin: germline. Not counted in ClinVar's aggregate classification.
Comment: This variant is classified as likely benign based on ACMG/AMP sequence variant interpretation guidelines (Richards et al. 2015 PMID: 25741868, with internal and published modifications).

NM_001134707.2(SARDH):c.2535C>T (p.Asn845=)

Gene: SARDH (sarcosine dehydrogenase; minus strand). Cytogenetic location: 9q34.2.
Variant type: single nucleotide variant.
Coding change: c.2535C>T on transcript NM_001134707.2 (MANE Select); coding-DNA position 2535, C replaced by T.
Protein change: p.Asn845=; no amino-acid change (asparagine 845 retained).
Molecular consequence: synonymous variant.
Genome position (GRCh38, 1-based): chr9:133,666,831, G>A on the plus strand (C>T on the coding strand, the complement: SARDH is on the minus strand). VCF-style: chr9-133666831-G-A. GRCh37 (hg19) VCF-style: chr9-136531953-G-A.
Other names: c.2535C>T, p.Asn845= (NM_007101.4).
Identifiers: ClinVar variation 3043833 (VCV003043833.16), dbSNP rs146458678, ClinGen allele CA5313831.